The following is an entry in ClinVar:

NM_016373.4(WWOX):c.552C>T (p.Leu184=)

Gene: WWOX (WW domain containing oxidoreductase; plus strand). Cytogenetic location: 16q23.1.
Variant type: single nucleotide variant.
Coding change: c.552C>T on transcript NM_016373.4 (MANE Select); coding-DNA position 552, C replaced by T.
Protein change: p.Leu184=; no amino-acid change (leucine 184 retained).
Molecular consequence: synonymous variant.
Genome position (GRCh38, 1-based): chr16:78,386,895, C>T. VCF-style: chr16-78386895-C-T. GRCh37 (hg19) VCF-style: chr16-78420792-C-T.
Other names: c.213C>T, p.Leu71= (NM_001291997.2).
Identifiers: ClinVar variation 387554 (VCV000387554.43), dbSNP rs199715254, ClinGen allele CA8183330.

ClinVar aggregate classification (germline): Likely benign. Review status: criteria provided, multiple submitters, no conflicts (2 of 4 stars). 6 submissions from 6 submitters: Likely benign (4). 2 of the submissions do not count toward it. Last evaluated 2026-06-01.

Conditions:
WWOX-related disorder. Also called: WWOX-related condition.
Autosomal recessive spinocerebellar ataxia 12. Also called: SPINOCEREBELLAR ATAXIA WITH MENTAL RETARDATION AND EPILEPSY. Identifiers: Orphanet 284282, MedGen C3280452, MONDO:0013687, OMIM 614322.
Developmental and epileptic encephalopathy, 1 (DEE1). Also called: Epileptic encephalopathy, early infantile, 1; X-linked infantile spasms; West's syndrome; Tonic spasms with clustering, arrest of psychomotor development and hypsarrhythmia on EEG; X-Linked Infantile Spasm Syndrome; OHTAHARA SYNDROME, X-LINKED. Identifiers: MedGen C3463992, MONDO:0010632, OMIM 308350. Disease mechanism: loss of function.

Allele frequency attached by ClinVar (database versions not stated): 1000 Genomes Project 30x 0.00016; 1000 Genomes Project 0.00020; gnomAD 0.00028 and 0.00029; ExAC 0.00030; gnomAD exomes 0.00030; TOPMed 0.00051; ESP Exome Variant Server 0.00090.
gnomAD v4.1: 338 of 1,614,114 alleles (0.021%); highest among the groups gnomAD compares: Middle Eastern, 0.033%; 1 homozygote.

Submissions (6):

CeGaT Center for Human Genetics Tuebingen
Classification: Likely benign. Last evaluated: 2026-06-01. Review status: criteria provided, single submitter. Criteria: CeGaT Center For Human Genetics Tuebingen Variant Classification Criteria Version 2. Collection method: clinical testing. Allele origin: germline. Affected: yes. Observed: 5 variant alleles.
Comment: WWOX: BP4, BP7

Labcorp Genetics (formerly Invitae), Labcorp
Classification: Likely benign for Developmental and epileptic encephalopathy, 1; Autosomal recessive spinocerebellar ataxia 12. Last evaluated: 2026-01-31. Review status: criteria provided, single submitter. Criteria: Invitae Variant Classification Sherloc (09022015). Collection method: clinical testing. Allele origin: germline.

Blueprint Genetics
Classification: Likely benign. Last evaluated: 2024-10-16. Review status: criteria provided, single submitter. Criteria: ACMG Guidelines, 2015. Collection method: clinical testing. Allele origin: germline.

GeneDx
Classification: Likely benign. Last evaluated: 2020-09-28. Review status: criteria provided, single submitter. Criteria: GeneDx Variant Classification Process June 2021. Collection method: clinical testing. Allele origin: germline. Affected: yes.

Genetic Services Laboratory, University of Chicago
Classification: Likely benign. Last evaluated: 2022-12-02. Review status: no assertion criteria provided. Collection method: clinical testing. Allele origin: germline. Affected: no. Not counted in ClinVar's aggregate classification.

PreventionGenetics, part of Exact Sciences
Classification: Likely benign for WWOX-related condition. Last evaluated: 2019-07-31. Review status: no assertion criteria provided. Collection method: clinical testing. Allele origin: germline. Not counted in ClinVar's aggregate classification.
Comment: This variant is classified as likely benign based on ACMG/AMP sequence variant interpretation guidelines (Richards et al. 2015 PMID: 25741868, with internal and published modifications).